The following is an entry in ClinVar:

NM_199355.4(ADAMTS18):c.726G>C (p.Glu242Asp)

Gene: ADAMTS18 (ADAM metallopeptidase with thrombospondin type 1 motif 18; minus strand). Cytogenetic location: 16q23.1.
Variant type: single nucleotide variant.
Coding change: c.726G>C on transcript NM_199355.4 (MANE Select); coding-DNA position 726, G replaced by C.
Protein change: p.Glu242Asp; replaces glutamic acid 242 with aspartic acid.
Molecular consequence: missense variant.
Genome position (GRCh38, 1-based): chr16:77,367,493, C>G on the plus strand (G>C on the coding strand, the complement: ADAMTS18 is on the minus strand). VCF-style: chr16-77367493-C-G. GRCh37 (hg19) VCF-style: chr16-77401390-C-G.
Other names: c.206G>C, p.Ser69Thr (NM_001326358.2); short protein forms E242D, S69T.
Identifiers: ClinVar variation 1957645 (VCV001957645.5), dbSNP rs1262351313, ClinGen allele CA396823977.
Genomic context (GRCh38, chr16:77,367,493, plus strand): 5'-TTACATACATTTCTTGCGTCGTCCACAAAAATGCTGCTTTTGCAACCTTCGATGGTGATA[C>G]TCTGTCTCTCGACTCTGAGATGCATGGGGAATGTGACTTGGGGAGTAACCAGGATAATTC-3'
Protein context (NP_955387.1, residues 232-252): IPHASQSRET[Glu242Asp]YHHRRLQKQH

ClinVar aggregate classification (germline): Uncertain significance (1 of 4 stars; one submission).

Allele frequency attached by ClinVar (database versions not stated): TOPMed below 0.00001; gnomAD 0.00001.
gnomAD v4.1: 1 of 1,614,094 alleles (0.000062%); highest among the groups gnomAD compares: Admixed American, 0.0017%; no homozygotes.

Submission:

Labcorp Genetics (formerly Invitae), Labcorp
Classification: Uncertain significance. Last evaluated: 2022-11-08. Review status: criteria provided, single submitter. Criteria: Invitae Variant Classification Sherloc (09022015). Collection method: clinical testing. Allele origin: germline.
Comment: In summary, the available evidence is currently insufficient to determine the role of this variant in disease. Therefore, it has been classified as a Variant of Uncertain Significance. Algorithms developed to predict the effect of missense changes on protein structure and function output the following: SIFT: "Not Available"; PolyPhen-2: "Benign"; Align-GVGD: "Not Available". The aspartic acid amino acid residue is found in multiple mammalian species, which suggests that this missense change does not adversely affect protein function. This variant has not been reported in the literature in individuals affected with ADAMTS18-related conditions. This variant is not present in population databases (gnomAD no frequency). This sequence change replaces glutamic acid, which is acidic and polar, with aspartic acid, which is acidic and polar, at codon 242 of the ADAMTS18 protein (p.Glu242Asp).